The following is an entry in ClinVar:

ClinVar aggregate classification (germline): Uncertain significance. Review status: criteria provided, multiple submitters, no conflicts (2 of 4 stars). 2 submissions from 2 submitters: Uncertain significance (2). Last evaluated 2025-05-18.

Conditions:
Familial thoracic aortic aneurysm and aortic dissection (TAAD). Also called: Thoracic aortic aneurysms and dissections. Identifiers: Orphanet 91387, MedGen C4707243, MONDO:0019625.

Submissions (2):

Labcorp Genetics (formerly Invitae), Labcorp
Classification: Uncertain significance for Familial thoracic aortic aneurysm and aortic dissection. Last evaluated: 2025-05-18. Review status: criteria provided, single submitter. Criteria: Invitae Variant Classification Sherloc (09022015). Collection method: clinical testing. Allele origin: germline.
Comment: This sequence change replaces arginine, which is basic and polar, with tryptophan, which is neutral and slightly polar, at codon 104 of the SMAD3 protein (p.Arg104Trp). Information on the frequency of this variant in the gnomAD database is not available, as this variant may be reported differently in the database. This missense change has been observed in individuals with thoracic aortic aneurysm and dissection (internal data). ClinVar contains an entry for this variant (Variation ID: 923049). Experimental studies and prediction algorithms are not available or were not evaluated, and the functional significance of this variant is currently unknown. In summary, the available evidence is currently insufficient to determine the role of this variant in disease. Therefore, it has been classified as a Variant of Uncertain Significance.

Color Diagnostics, LLC DBA Color Health
Classification: Uncertain significance for Familial thoracic aortic aneurysm and aortic dissection. Last evaluated: 2024-03-06. Review status: criteria provided, single submitter. Criteria: ACMG Guidelines, 2015. Collection method: clinical testing. Allele origin: germline.
Comment: This missense variant replaces arginine with tryptophan at codon 104 of the SMAD3 protein. Computational prediction suggests that this variant may have deleterious impact on protein structure and function (internally defined REVEL score threshold >= 0.7, PMID: 27666373). Splice site prediction tools suggest that this variant may not impact RNA splicing. To our knowledge, functional studies have not been reported for this variant. This variant has not been reported in individuals affected with cardiovascular disorders in the literature. This variant has been identified in 1/251432 chromosomes in the general population by the Genome Aggregation Database (gnomAD). The available evidence is insufficient to determine the role of this variant in disease conclusively. Therefore, this variant is classified as a Variant of Uncertain Significance.

NM_005902.4(SMAD3):c.309_310inv (p.Arg104Trp)

Gene: SMAD3 (SMAD family member 3; plus strand). Cytogenetic location: 15q22.33.
Variant type: Inversion.
Coding change: c.309_310inv on transcript NM_005902.4 (MANE Select).
Protein change: p.Arg104Trp; replaces arginine 104 with tryptophan.
Molecular consequence: missense variant. On other transcripts: 5 prime UTR variant (1).
Genome position: GRCh38 VCF-style: chr15-67164997-AC-GT. GRCh37 (hg19) VCF-style: chr15-67457335-AC-GT.
Other names: c.-7_-6inv (NM_001145102.2); c.177_178inv, p.Arg60Trp (NM_001145103.2); c.309_310delinsGT (NM_005902.4); short protein forms R104W, R60W.
Identifiers: ClinVar variation 923049 (VCV000923049.8), ClinGen allele CA1139664044.
Genomic context (GRCh38, chr15:67,164,997, plus strand): 5'-CCCTCATGTCATCTACTGCCGCCTGTGGCGATGGCCAGACCTGCACAGCCACCACGAGCT[AC>GT]GGGCCATGGAGCTGTGTGAGTTCGCCTTCAATATGAAGAAGGACGAGGTCTGCGTGAATC-3'
Protein context (NP_005893.1, residues 94-114): WPDLHSHHEL[Arg104Trp]AMELCEFAFN